The following is an entry in ClinVar:

ClinVar aggregate classification (germline): Conflicting classifications of pathogenicity. Review status: criteria provided, conflicting classifications (1 of 4 stars). 4 submissions from 4 submitters: Uncertain significance (3); Likely benign (1). Last evaluated 2026-01-07.

Submissions (4):

Labcorp Genetics (formerly Invitae), Labcorp
Classification: Likely benign. Last evaluated: 2026-01-07. Review status: criteria provided, single submitter. Criteria: Invitae Variant Classification Sherloc (09022015). Collection method: clinical testing. Allele origin: germline.

Women's Health and Genetics/Laboratory Corporation of America, LabCorp
Classification: Uncertain significance. Last evaluated: 2024-04-12. Review status: criteria provided, single submitter. Criteria: LabCorp Variant Classification Summary - May 2015. Collection method: clinical testing. Allele origin: germline.
Comment: Variant summary: IHH c.228_229delinsAA (p.Arg77Ser) results in a non-conservative amino acid change located in the Hedgehog, N-terminal signalling domain (IPR000320) of the encoded protein sequence. Four of five in-silico tools predict a damaging effect of the variant on protein function. The variant allele was found at a frequency of 0.00075 in 282292 control chromosomes. c.228_229delinsAA has been reported in the literature in individuals affected with IHH-Related Disorders (Sentchordi-Montane_2020). These data indicate that the variant may be associated with disease. To our knowledge, no experimental evidence demonstrating an impact on protein function has been reported. The following publication have been ascertained in the context of this evaluation (PMID: 32311039). ClinVar contains an entry for this variant (Variation ID: 286350). Based on the evidence outlined above, the variant was classified as VUS-possibly pathogenic.

GeneDx
Classification: Uncertain significance. Last evaluated: 2019-05-17. Review status: criteria provided, single submitter. Criteria: GeneDx Variant Classification Process June 2021. Collection method: clinical testing. Allele origin: germline. Affected: yes.
Comment: In silico analysis, which includes protein predictors and evolutionary conservation, supports a deleterious effect; Previously published in a study of variants associated with human growth as part of an allele segregating with affected height, but complete allele presentation was not available (Marouli et at., 2017); This variant is associated with the following publications: (PMID: 28146470, 32311039)

Eurofins Ntd Llc (ga)
Classification: Uncertain significance. Last evaluated: 2016-02-16. Review status: criteria provided, single submitter. Criteria: EGL Classification Definitions 2015. Collection method: clinical testing. Allele origin: germline. Observed: 1 variant allele, 1 heterozygote.

Literature cited by the submitters: PubMed 32311039 (cited by Women's Health and Genetics/Laboratory Corporation of America, LabCorp).

NM_002181.4(IHH):c.228_229delinsAA (p.Arg77Ser)

Gene: IHH (Indian hedgehog signaling molecule; minus strand). Cytogenetic location: 2q35.
Variant type: Indel.
Coding change: c.228_229delinsAA on transcript NM_002181.4 (MANE Select); coding-DNA positions 228 to 229, GC replaced by AA.
Protein change: p.Arg77Ser; replaces arginine 77 with serine.
Molecular consequence: missense variant.
Genome position (GRCh38, 1-based): chr2:219,060,239-219,060,240, GC replaced by TT on the plus strand (GC replaced by AA on the coding strand, the reverse complement: IHH is on the minus strand). VCF-style: chr2-219060239-GC-TT. GRCh37 (hg19) VCF-style: chr2-219924961-GC-TT.
Other names: short protein forms R77S.
Identifiers: ClinVar variation 286350 (VCV000286350.17), dbSNP rs886043368, ClinGen allele CA10605437.